The following is an entry in ClinVar:

NM_173630.4(RTTN):c.4903G>C (p.Ala1635Pro)

Gene: RTTN (rotatin; minus strand). Cytogenetic location: 18q22.2.
Variant type: single nucleotide variant.
Coding change: c.4903G>C on transcript NM_173630.4 (MANE Select); coding-DNA position 4903, G replaced by C.
Protein change: p.Ala1635Pro; replaces alanine 1635 with proline.
Molecular consequence: missense variant.
Genome position (GRCh38, 1-based): chr18:70,059,887, C>G on the plus strand (G>C on the coding strand, the complement: RTTN is on the minus strand). VCF-style: chr18-70059887-C-G. GRCh37 (hg19) VCF-style: chr18-67727123-C-G.
Other names: c.2167G>C, p.Ala723Pro (NM_001318520.2); short protein forms A1635P, A723P.
Identifiers: ClinVar variation 1303730 (VCV001303730.3), dbSNP rs2144893429, ClinGen allele CA402694378.

ClinVar aggregate classification (germline): Uncertain significance. Review status: criteria provided, multiple submitters, no conflicts (2 of 4 stars). 2 submissions from 2 submitters: Uncertain significance (2). Last evaluated 2025-10-06.

Conditions:
Inborn genetic diseases. Identifiers: MedGen C0950123, MeSH D030342.

Submissions (2):

Ambry Genetics
Classification: Uncertain significance for Inborn genetic diseases. Last evaluated: 2025-10-06. Review status: criteria provided, single submitter. Criteria: Ambry Variant Classification Scheme 2023. Collection method: clinical testing. Allele origin: germline.

GeneDx
Classification: Uncertain significance. Last evaluated: 2021-05-04. Review status: criteria provided, single submitter. Criteria: GeneDx Variant Classification Process June 2021. Collection method: clinical testing. Allele origin: germline. Affected: yes.
Comment: Has not been previously published as pathogenic or benign to our knowledge; In silico analysis supports that this missense variant does not alter protein structure/function; Not observed in large population cohorts (Lek et al., 2016)